The following is an entry in ClinVar:

ClinVar aggregate classification (germline): Uncertain significance (1 of 4 stars; one submission).

Allele frequency attached by ClinVar (database versions not stated): gnomAD exomes below 0.00001; TOPMed 0.00001.
gnomAD v4.1: 4 of 1,608,926 alleles (0.00025%); highest among the groups gnomAD compares: Admixed American, 0.0033%; no homozygotes.

Submission:

Labcorp Genetics (formerly Invitae), Labcorp
Classification: Uncertain significance. Last evaluated: 2022-07-05. Review status: criteria provided, single submitter. Criteria: Invitae Variant Classification Sherloc (09022015). Collection method: clinical testing. Allele origin: germline.
Comment: This variant is present in population databases (no rsID available, gnomAD 0.003%). This sequence change replaces proline, which is neutral and non-polar, with arginine, which is basic and polar, at codon 11 of the CTF1 protein (p.Pro11Arg). This variant has not been reported in the literature in individuals affected with CTF1-related conditions. In summary, the available evidence is currently insufficient to determine the role of this variant in disease. Therefore, it has been classified as a Variant of Uncertain Significance. Algorithms developed to predict the effect of missense changes on protein structure and function are either unavailable or do not agree on the potential impact of this missense change (SIFT: "Tolerated"; PolyPhen-2: "Possibly Damaging"; Align-GVGD: "Class C0"). ClinVar contains an entry for this variant (Variation ID: 567043).

NM_001330.5(CTF1):c.32C>G (p.Pro11Arg)

Gene: CTF1 (cardiotrophin 1; plus strand). Cytogenetic location: 16p11.2.
Variant type: single nucleotide variant.
Coding change: c.32C>G on transcript NM_001330.5 (MANE Select); coding-DNA position 32, C replaced by G.
Protein change: p.Pro11Arg; replaces proline 11 with arginine.
Molecular consequence: missense variant. On other transcripts: non-coding transcript variant (1).
Genome position (GRCh38, 1-based): chr16:30,899,421, C>G. VCF-style: chr16-30899421-C-G. GRCh37 (hg19) VCF-style: chr16-30910742-C-G.
Other names: c.29C>G, p.Pro10Arg (NM_001142544.3); short protein forms P11R, P10R.
Identifiers: ClinVar variation 567043 (VCV000567043.8), dbSNP rs1043291296, ClinGen allele CA280570768.